The following is an entry in ClinVar:

NM_145239.3(PRRT2):c.389C>G (p.Ala130Gly)

Genes: MVP-DT (MVP divergent transcript; minus strand), PRRT2 (proline rich transmembrane protein 2; plus strand). Cytogenetic location: 16p11.2.
Variant type: single nucleotide variant.
Coding change: c.389C>G on transcript NM_145239.3 (MANE Select); coding-DNA position 389, C replaced by G.
Protein change: p.Ala130Gly; replaces alanine 130 with glycine.
Molecular consequence: missense variant.
Genome position (GRCh38, 1-based): chr16:29,813,443, C>G. VCF-style: chr16-29813443-C-G. GRCh37 (hg19) VCF-style: chr16-29824764-C-G.
Other names: c.389C>G, p.Ala130Gly (NM_001256442.2, NM_001256443.2, NM_001438120.1 and 2 more transcripts); short protein forms A130G.
Identifiers: ClinVar variation 4764210 (VCV004764210.1).

ClinVar aggregate classification (germline): Uncertain significance (1 of 4 stars; one submission).

Conditions:
Episodic kinesigenic dyskinesia (EKD). Also called: Paroxysmal kinesigenic dyskinesia. Identifiers: Orphanet 98809, MedGen C1868682, MONDO:0044202.

Submission:

Labcorp Genetics (formerly Invitae), Labcorp
Classification: Uncertain significance for Episodic kinesigenic dyskinesia. Last evaluated: 2025-10-02. Review status: criteria provided, single submitter. Criteria: Invitae Variant Classification Sherloc (09022015). Collection method: clinical testing. Allele origin: germline.
Comment: This sequence change replaces alanine, which is neutral and non-polar, with glycine, which is neutral and non-polar, at codon 130 of the PRRT2 protein (p.Ala130Gly). This variant is not present in population databases (gnomAD no frequency). This variant has not been reported in the literature in individuals affected with PRRT2-related conditions. Invitae Evidence Modeling of protein sequence and biophysical properties (such as structural, functional, and spatial information, amino acid conservation, physicochemical variation, residue mobility, and thermodynamic stability) indicates that this missense variant is not expected to disrupt PRRT2 protein function with a negative predictive value of 95%. In summary, the available evidence is currently insufficient to determine the role of this variant in disease. Therefore, it has been classified as a Variant of Uncertain Significance.